The following is an entry in ClinVar:

ClinVar aggregate classification (germline): Benign (1 of 4 stars; one submission).

Allele frequency attached by ClinVar (database versions not stated): gnomAD exomes 0.22247; gnomAD 0.29426 and 0.29736; TOPMed 0.29999; 1000 Genomes Project 30x 0.31043; 1000 Genomes Project 0.31350.

Submission:

GeneDx
Classification: Benign. Last evaluated: 2021-05-14. Review status: criteria provided, single submitter. Criteria: GeneDx Variant Classification Process June 2021. Collection method: clinical testing. Allele origin: germline. Affected: yes.
Comment: This variant is associated with the following publications: (PMID: 18927121)

NC_000014.9:g.22836454G>T

Gene: MMP14 (matrix metallopeptidase 14; plus strand). Cytogenetic location: 14q11.2.
Variant type: single nucleotide variant.
Genome position: GRCh38 VCF-style: chr14-22836454-G-T. GRCh37 (hg19) VCF-style: chr14-23305663-G-T.
Identifiers: ClinVar variation 1297228 (VCV001297228.3), dbSNP rs1003349, ClinGen allele CA13931721.